The following is an entry in ClinVar:

ClinVar aggregate classification (germline): Conflicting classifications of pathogenicity. Review status: criteria provided, conflicting classifications (1 of 4 stars). 5 submissions from 5 submitters: Uncertain significance (1); Likely benign (2). 2 of the submissions do not count toward it. Last evaluated 2025-09-15.

Conditions:
Hypertrophic cardiomyopathy. Also called: HYPERTROPHIC MYOCARDIOPATHY. Identifiers: Orphanet 217569, MedGen C0007194, MeSH D002312, MONDO:0005045, HP:0001639.
Primary dilated cardiomyopathy (DCM). Also called: Dilated Cardiomyopathy. Identifiers: Orphanet 217604, MedGen C0007193, MeSH D002311, MONDO:0005021, HP:0001644. Inheritance: Various modes of inheritance.

Allele frequency attached by ClinVar (database versions not stated): gnomAD 0.00011 and 0.00013; TOPMed 0.00011; ESP Exome Variant Server 0.00015; gnomAD exomes 0.00016 and 0.00026; ExAC 0.00022.
gnomAD v4.1: 260 of 1,586,788 alleles (0.016%); highest among the groups gnomAD compares: Middle Eastern, 0.2%; 1 homozygote.

Submissions (6):

Labcorp Genetics (formerly Invitae), Labcorp
Classification: Uncertain significance for Hypertrophic cardiomyopathy; Primary dilated cardiomyopathy. Last evaluated: 2025-09-15. Review status: criteria provided, single submitter. Criteria: Invitae Variant Classification Sherloc (09022015). Collection method: clinical testing. Allele origin: germline.
Comment: This sequence change affects codon 82 of the PDLIM3 mRNA. It is a 'silent' change, meaning that it does not change the encoded amino acid sequence of the PDLIM3 protein. It affects a nucleotide within the consensus splice site. This variant is present in population databases (rs200354645, gnomAD 0.04%). This variant has not been reported in the literature in individuals affected with PDLIM3-related conditions. ClinVar contains an entry for this variant (Variation ID: 380756). Algorithms developed to predict the effect of sequence changes on RNA splicing suggest that this variant is not likely to affect RNA splicing. In summary, the available evidence is currently insufficient to determine the role of this variant in disease. Therefore, it has been classified as a Variant of Uncertain Significance.

Ambry Genetics
Classification: Likely benign. Last evaluated: 2023-10-14. Review status: criteria provided, single submitter. Criteria: Ambry Variant Classification Scheme 2023. Collection method: clinical testing. Allele origin: germline.

GeneDx
Classification: Likely benign. Last evaluated: 2017-12-07. Review status: criteria provided, single submitter. Criteria: GeneDx Variant Classification (06012015). Collection method: clinical testing. Allele origin: germline. Affected: yes.
Comment: This variant is considered likely benign or benign based on one or more of the following criteria: it is a conservative change, it occurs at a poorly conserved position in the protein, it is predicted to be benign by multiple in silico algorithms, and/or has population frequency not consistent with disease.

Dr. Peter K. Rogan Lab, Western University
No classification provided (evidence only). Condition: Melanoma. Review status: no classification provided. Collection method: in vitro. Allele origin: not applicable. Functional consequence: retained intron. Not counted in ClinVar's aggregate classification.

Genome Diagnostics Laboratory, University Medical Center Utrecht
Classification: Likely benign. Review status: no assertion criteria provided. Collection method: clinical testing. Allele origin: germline. Affected: yes. Study: VKGL Data-share Consensus. Not counted in ClinVar's aggregate classification.

Joint Genome Diagnostic Labs from Nijmegen and Maastricht, Radboudumc and MUMC+
Classification: Likely benign. Review status: no assertion criteria provided. Collection method: clinical testing. Allele origin: germline. Affected: yes. Study: VKGL Data-share Consensus. Not counted in ClinVar's aggregate classification.

NM_014476.6(PDLIM3):c.246G>A (p.Arg82=)

Gene: PDLIM3 (PDZ and LIM domain 3; minus strand). Cytogenetic location: 4q35.1.
Variant type: single nucleotide variant.
Coding change: c.246G>A on transcript NM_014476.6 (MANE Select); coding-DNA position 246, G replaced by A.
Protein change: p.Arg82=; no amino-acid change (arginine 82 retained).
Molecular consequence: synonymous variant. On other transcripts: non-coding transcript variant (1), intron variant (1).
Genome position (GRCh38, 1-based): chr4:185,523,446, C>T on the plus strand (G>A on the coding strand, the complement: PDLIM3 is on the minus strand). VCF-style: chr4-185523446-C-T. GRCh37 (hg19) VCF-style: chr4-186444600-C-T.
Other names: c.246G>A, p.Arg82= (NM_001114107.5, NM_001257962.2); c.94-9109G>A (NM_001257963.2).
Identifiers: ClinVar variation 380756 (VCV000380756.15), dbSNP rs200354645, ClinGen allele CA3159863.